The following is an entry in ClinVar:

NM_000051.4(ATM):c.2989del (p.His996_Val997insTer)

Gene: ATM (ATM serine/threonine kinase; plus strand). Cytogenetic location: 11q22.3.
Variant type: Deletion.
Coding change: c.2989del on transcript NM_000051.4 (MANE Select); coding-DNA position 2989, one base deleted (G; older notation c.2989delG).
Protein change: p.His996_Val997insTer.
Molecular consequence: nonsense.
Genome position (GRCh38, 1-based): chr11:108,271,318, G deleted. VCF-style (leftmost placement, unchanged base first): chr11-108271317-TG-T. GRCh37 (hg19) VCF-style: chr11-108142044-TG-T.
Other names: c.2989del, p.His996_Val997insTer (NM_001351834.2).
Identifiers: ClinVar variation 2583650 (VCV002583650.2), dbSNP rs2497688297, ClinGen allele CA2582342463.

ClinVar aggregate classification (germline): Pathogenic (1 of 4 stars; one submission).

Conditions:
Familial cancer of breast. Also called: Hereditary breast cancer; BREAST CANCER, FAMILIAL; hereditary breast carcinoma. Identifiers: Orphanet 227535, MedGen C0346153, MONDO:0016419, OMIM 114480. Disease mechanism: loss of function.

Submission:

Myriad Genetics, Inc.
Classification: Pathogenic for Familial cancer of breast. Last evaluated: 2023-05-18. Review status: criteria provided, single submitter. Criteria: Myriad Autosomal Dominant, Autosomal Recessive and X-Linked Classification Criteria (2023). Collection method: clinical testing. Allele origin: unknown.
Comment: This variant is considered pathogenic. This variant creates a termination codon and is predicted to result in premature protein truncation.